The following is an entry in ClinVar:

NM_001942.4(DSG1):c.250A>T (p.Thr84Ser)

Gene: DSG1 (desmoglein 1; plus strand). Cytogenetic location: 18q12.1.
Variant type: single nucleotide variant.
Coding change: c.250A>T on transcript NM_001942.4 (MANE Select); coding-DNA position 250, A replaced by T.
Protein change: p.Thr84Ser; replaces threonine 84 with serine.
Molecular consequence: missense variant.
Genome position (GRCh38, 1-based): chr18:31,328,222, A>T. VCF-style: chr18-31328222-A-T. GRCh37 (hg19) VCF-style: chr18-28908185-A-T.
Other names: short protein forms T84S.
Identifiers: ClinVar variation 2856338 (VCV002856338.3), dbSNP rs774601712, ClinGen allele CA8925802.

ClinVar aggregate classification (germline): Uncertain significance (1 of 4 stars; one submission).

Allele frequency attached by ClinVar (database versions not stated): gnomAD exomes below 0.00001; gnomAD 0.00001; ExAC 0.00002.

Submission:

Labcorp Genetics (formerly Invitae), Labcorp
Classification: Uncertain significance. Last evaluated: 2024-02-05. Review status: criteria provided, single submitter. Criteria: Invitae Variant Classification Sherloc (09022015). Collection method: clinical testing. Allele origin: germline.
Comment: This sequence change replaces threonine, which is neutral and polar, with serine, which is neutral and polar, at codon 84 of the DSG1 protein (p.Thr84Ser). This variant is present in population databases (rs774601712, gnomAD 0.01%). This variant has not been reported in the literature in individuals affected with DSG1-related conditions. Advanced modeling of protein sequence and biophysical properties (such as structural, functional, and spatial information, amino acid conservation, physicochemical variation, residue mobility, and thermodynamic stability) performed at Invitae indicates that this missense variant is not expected to disrupt DSG1 protein function with a negative predictive value of 80%. In summary, the available evidence is currently insufficient to determine the role of this variant in disease. Therefore, it has been classified as a Variant of Uncertain Significance.